The following is an entry in ClinVar:

NM_018180.3(DHX32):c.1390del (p.Tyr464fs)

Genes: BCCIP (BRCA2 and CDKN1A interacting protein; plus strand), DHX32 (DEAH-box helicase 32 (putative); minus strand). Cytogenetic location: 10q26.2.
Variant type: Deletion.
Coding change: c.1390del on transcript NM_018180.3 (MANE Select); coding-DNA position 1390, one base deleted (T; older notation c.1390delT).
Protein change: p.Tyr464fs; shifts the reading frame from tyrosine 464.
Molecular consequence: frameshift variant. On other transcripts: 3 prime UTR variant (1), intron variant (1).
Genome position (GRCh38, 1-based): chr10:125,841,896, A deleted on the plus strand (T on the coding strand, the reverse complement: DHX32 is on the minus strand); the first of 2 consecutive A bases (chr10:125,841,896-125,841,897); deleting either gives the same sequence. VCF-style (leftmost placement, unchanged base first): chr10-125841895-TA-T. GRCh37 (hg19) VCF-style: chr10-127530464-TA-T.
Other names: c.*538del (NM_078469.3); c.850+567del (NM_016567.4); short protein forms Y464fs.
Identifiers: ClinVar variation 1905037 (VCV001905037.4), dbSNP rs1241140938, ClinGen allele CA596892646.

ClinVar aggregate classification (germline): Uncertain significance (1 of 4 stars; one submission).

Submission:

Labcorp Genetics (formerly Invitae), Labcorp
Classification: Uncertain significance. Last evaluated: 2024-10-23. Review status: criteria provided, single submitter. Criteria: Invitae Variant Classification Sherloc (09022015). Collection method: clinical testing. Allele origin: germline.
Comment: This sequence change creates a premature translational stop signal (p.Tyr464Ilefs*32) in the DHX32 gene. It is expected to result in an absent or disrupted protein product. However, the current clinical and genetic evidence is not sufficient to establish whether loss-of-function variants in DHX32 cause disease. This variant is present in population databases (no rsID available, gnomAD 0.007%). This variant has not been reported in the literature in individuals affected with DHX32-related conditions. ClinVar contains an entry for this variant (Variation ID: 1905037). In summary, the available evidence is currently insufficient to determine the role of this variant in disease. Therefore, it has been classified as a Variant of Uncertain Significance.